The following is an entry in ClinVar:

NM_000130.5(F5):c.357C>G (p.Tyr119Ter)

Gene: F5 (coagulation factor V; minus strand). Cytogenetic location: 1q24.2.
Variant type: single nucleotide variant.
Coding change: c.357C>G on transcript NM_000130.5 (MANE Select); coding-DNA position 357, C replaced by G.
Protein change: p.Tyr119Ter; replaces tyrosine 119 with a stop codon.
Molecular consequence: nonsense.
Genome position (GRCh38, 1-based): chr1:169,572,237, G>C on the plus strand (C>G on the coding strand, the complement: F5 is on the minus strand). VCF-style: chr1-169572237-G-C. GRCh37 (hg19) VCF-style: chr1-169541475-G-C.
Other names: short protein forms Y119*.
Identifiers: ClinVar variation 3625827 (VCV003625827.2).

ClinVar aggregate classification (germline): Pathogenic (1 of 4 stars; one submission).

Conditions:
Congenital factor V deficiency. Also called: Hereditary factor V deficiency disease; LABILE FACTOR DEFICIENCY; OWREN PARAHEMOPHILIA; PARAHEMOPHILIA. Identifiers: Orphanet 326, MedGen C0015499, MONDO:0009210, OMIM 227400.

gnomAD v4.1: 13 of 1,612,626 alleles (0.00081%); highest among the groups gnomAD compares: Non-Finnish European, 0.001%; no homozygotes.

Submission:

Labcorp Genetics (formerly Invitae), Labcorp
Classification: Pathogenic for Congenital factor V deficiency. Last evaluated: 2024-03-08. Review status: criteria provided, single submitter. Criteria: Invitae Variant Classification Sherloc (09022015). Collection method: clinical testing. Allele origin: germline.
Comment: This sequence change creates a premature translational stop signal (p.Tyr119*) in the F5 gene. It is expected to result in an absent or disrupted protein product. Loss-of-function variants in F5 are known to be pathogenic (PMID: 30924984). This variant is present in population databases (no rsID available, gnomAD 0.0009%). This variant has not been reported in the literature in individuals affected with F5-related conditions. For these reasons, this variant has been classified as Pathogenic.

Literature cited by the submitters: PubMed 30924984.